The following is an entry in ClinVar:

NM_006005.3(WFS1):c.61C>G (p.Pro21Ala)

Gene: WFS1 (wolframin ER transmembrane glycoprotein; plus strand). Cytogenetic location: 4p16.1.
Variant type: single nucleotide variant.
Coding change: c.61C>G on transcript NM_006005.3 (MANE Select); coding-DNA position 61, C replaced by G.
Protein change: p.Pro21Ala; replaces proline 21 with alanine.
Molecular consequence: missense variant.
Genome position (GRCh38, 1-based): chr4:6,277,516, C>G. VCF-style: chr4-6277516-C-G. GRCh37 (hg19) VCF-style: chr4-6279243-C-G.
Other names: c.61C>G, p.Pro21Ala (NM_001145853.1); short protein forms P21A.
Identifiers: ClinVar variation 929935 (VCV000929935.7), dbSNP rs757447631, ClinGen allele CA2838786.

ClinVar aggregate classification (germline): Uncertain significance. Review status: criteria provided, multiple submitters, no conflicts (2 of 4 stars). 4 submissions from 4 submitters: Uncertain significance (4). Last evaluated 2025-12-23.

Conditions:
Wolfram syndrome 1 (WFS1). Identifiers: Orphanet 3463, MedGen C4551693, MONDO:0009101, OMIM 222300.
WFS1-related disorder. Identifiers: MedGen CN379391, MONDO:0700293.

gnomAD v4.1: 2 of 1,583,240 alleles (0.00013%); highest among the groups gnomAD compares: Non-Finnish European, 0.00017%; no homozygotes.

Submissions (4):

Labcorp Genetics (formerly Invitae), Labcorp
Classification: Uncertain significance. Last evaluated: 2025-12-23. Review status: criteria provided, single submitter. Criteria: Invitae Variant Classification Sherloc (09022015). Collection method: clinical testing. Allele origin: germline.
Comment: This sequence change replaces proline, which is neutral and non-polar, with alanine, which is neutral and non-polar, at codon 21 of the WFS1 protein (p.Pro21Ala). The frequency data for this variant in the population databases is considered unreliable, as metrics indicate poor data quality at this position in the gnomAD database. This variant has not been reported in the literature in individuals affected with WFS1-related conditions. ClinVar contains an entry for this variant (Variation ID: 929935). Invitae Evidence Modeling of protein sequence and biophysical properties (such as structural, functional, and spatial information, amino acid conservation, physicochemical variation, residue mobility, and thermodynamic stability) indicates that this missense variant is not expected to disrupt WFS1 protein function with a negative predictive value of 95%. In summary, the available evidence is currently insufficient to determine the role of this variant in disease. Therefore, it has been classified as a Variant of Uncertain Significance.

PreventionGenetics, part of Exact Sciences
Classification: Uncertain significance for WFS1-related condition. Last evaluated: 2025-05-08. Review status: criteria provided, single submitter. Criteria: ACMG Guidelines, 2015. Collection method: clinical testing. Allele origin: germline.
Comment: The WFS1 c.61C>G variant is predicted to result in the amino acid substitution p.Pro21Ala. To our knowledge, this variant has not been reported in the literature. This variant is reported in 0.0024% of alleles in individuals of European (Non-Finnish) descent in gnomAD. At this time, the clinical significance of this variant is uncertain due to the absence of conclusive functional and genetic evidence.

Laboratory for Molecular Medicine, Mass General Brigham Personalized Medicine
Classification: Uncertain significance. Last evaluated: 2019-07-26. Review status: criteria provided, single submitter. Criteria: LMM Criteria. Collection method: clinical testing. Allele origin: germline. Observed: 1 variant allele.
Comment: The p.Pro21Ala variant in WFS1 has not been previously reported in individuals with hearing loss, Wolfram syndrome, or Wolfram-like syndrme, but has been identified in 0.002% (2/84222) of European chromosomes by gnomAD. Computational prediction tools and conservation analysis suggest that this variant may not impact the protein, though this information is not predictive enough to rule out pathogenicity. In summary, the clinical significance of this variant is uncertain. ACMG/AMP Criteria applied: PM2, BP4.

Clinical Genomics, Uppaluri K&H Personalized Medicine Clinic
Classification: Uncertain significance for Wolfram syndrome 1. Review status: criteria provided, single submitter. Criteria: K & H Uppaluri Personalized Medicine Clinic Variant Classification & Assertion Criteria_Updated V.1. Collection method: research. Allele origin: unknown. Inheritance: Autosomal recessive inheritance.
Comment: Potent mutations in WFS1 gene are associated with Wolfram's syndrome, an autosomal recessive condition, which cause diabetes mellitus, diabetes insipidus, deafness and optic atrophy. However no sufficient evidence is found to ascertain the role of this particular variant rs757447631 in Wolfram's syndrome yet.

Literature cited by the submitters: PubMed 20738327 (cited by Clinical Genomics, Uppaluri K&H Personalized Medicine Clinic); PubMed 33879153 (cited by Clinical Genomics, Uppaluri K&H Personalized Medicine Clinic); PubMed 12955714 (cited by Clinical Genomics, Uppaluri K&H Personalized Medicine Clinic); PubMed 18060660 (cited by Clinical Genomics, Uppaluri K&H Personalized Medicine Clinic); PubMed 20301750 (cited by Clinical Genomics, Uppaluri K&H Personalized Medicine Clinic); PubMed 17603484 (cited by Clinical Genomics, Uppaluri K&H Personalized Medicine Clinic).